The following is an entry in ClinVar:

ClinVar aggregate classification (germline): Uncertain significance. Review status: criteria provided, multiple submitters, no conflicts (2 of 4 stars). 2 submissions from 2 submitters: Uncertain significance (2). Last evaluated 2026-02-17.

Allele frequency attached by ClinVar (database versions not stated): gnomAD exomes below 0.00001.
gnomAD v4.1: 1 of 1,610,708 alleles (0.000062%); highest among the groups gnomAD compares: Non-Finnish European, 0.000085%; no homozygotes.

Submissions (2):

Ambry Genetics
Classification: Uncertain significance. Last evaluated: 2026-02-17. Review status: criteria provided, single submitter. Criteria: Ambry Variant Classification Scheme 2023. Collection method: clinical testing. Allele origin: germline.

Labcorp Genetics (formerly Invitae), Labcorp
Classification: Uncertain significance. Last evaluated: 2022-03-14. Review status: criteria provided, single submitter. Criteria: Invitae Variant Classification Sherloc (09022015). Collection method: clinical testing. Allele origin: germline.
Comment: Algorithms developed to predict the effect of missense changes on protein structure and function are either unavailable or do not agree on the potential impact of this missense change (SIFT: "Deleterious"; PolyPhen-2: "Probably Damaging"; Align-GVGD: "Class C0"). In summary, the available evidence is currently insufficient to determine the role of this variant in disease. Therefore, it has been classified as a Variant of Uncertain Significance. This variant has not been reported in the literature in individuals affected with TOP2B-related conditions. This variant is not present in population databases (gnomAD no frequency). This sequence change replaces isoleucine, which is neutral and non-polar, with threonine, which is neutral and polar, at codon 333 of the TOP2B protein (p.Ile333Thr).

NM_001330700.2(TOP2B):c.1013T>C (p.Ile338Thr)

Gene: TOP2B (DNA topoisomerase II beta; minus strand). Cytogenetic location: 3p24.2.
Variant type: single nucleotide variant.
Coding change: c.1013T>C on transcript NM_001330700.2 (MANE Select); coding-DNA position 1013, T replaced by C.
Protein change: p.Ile338Thr; replaces isoleucine 338 with threonine.
Molecular consequence: missense variant.
Genome position (GRCh38, 1-based): chr3:25,633,854, A>G on the plus strand (T>C on the coding strand, the complement: TOP2B is on the minus strand). VCF-style: chr3-25633854-A-G. GRCh37 (hg19) VCF-style: chr3-25675345-A-G.
Other names: c.998T>C (NM_001068.2); c.998T>C, p.Ile333Thr (NM_001068.3); short protein forms I333T, I338T.
Identifiers: ClinVar variation 2111592 (VCV002111592.5), dbSNP rs2470361681, ClinGen allele CA351911475.